The following is an entry in ClinVar:

ClinVar aggregate classification (germline): Benign. Review status: criteria provided, multiple submitters, no conflicts (2 of 4 stars). 2 submissions from 2 submitters: Benign (2). Last evaluated 2018-06-14.

Allele frequency attached by ClinVar (database versions not stated): gnomAD 0.36314 and 0.36629; TOPMed 0.36740; 1000 Genomes Project 0.38039; 1000 Genomes Project 30x 0.38132.
gnomAD v4.1: 261,586 of 680,874 alleles (38%); highest among the groups gnomAD compares: Admixed American, 45%; 51,721 homozygotes.

Submissions (2):

GeneDx
Classification: Benign. Last evaluated: 2018-06-14. Review status: criteria provided, single submitter. Criteria: GeneDx Variant Classification (06012015). Collection method: clinical testing. Allele origin: germline. Affected: yes.
Comment: This variant is considered likely benign or benign based on one or more of the following criteria: it is a conservative change, it occurs at a poorly conserved position in the protein, it is predicted to be benign by multiple in silico algorithms, and/or has population frequency not consistent with disease.

Breakthrough Genomics
Classification: Benign. Review status: criteria provided, single submitter. Criteria: ACMG Guidelines, 2015. Collection method: not provided. Allele origin: germline. Inheritance: Autosomal recessive inheritance. Affected: yes.

NM_153676.4(USH1C):c.2491-165C>A

Gene: USH1C (USH1 protein network component harmonin; minus strand). Cytogenetic location: 11p15.1.
Variant type: single nucleotide variant.
Coding change: c.2491-165C>A on transcript NM_153676.4 (MANE Select); 165 bases into the intron before coding-DNA position 2491, C replaced by A.
Molecular consequence: intron variant.
Genome position (GRCh38, 1-based): chr11:17,496,978, G>T on the plus strand (C>A on the coding strand, the complement: USH1C is on the minus strand). VCF-style: chr11-17496978-G-T. GRCh37 (hg19) VCF-style: chr11-17518525-G-T.
Other names: c.1534-165C>A (NM_001297764.2); c.1591-165C>A (NM_005709.4).
Identifiers: ClinVar variation 678909 (VCV000678909.2), dbSNP rs2072230, ClinGen allele CA13410984.